The following is an entry in ClinVar:

GRCh37/hg19 16p13.11-12.3(chr16:15481920-16837613)x3

Genes: MARF1 (meiosis regulator and mRNA stability factor 1; minus strand), MPV17L (MPV17 mitochondrial inner membrane protein like; plus strand), ABCC1 (ATP binding cassette subfamily C member 1 (ABCC1 blood group); plus strand), ABCC6 (ATP binding cassette subfamily C member 6; minus strand), BMERB1 (bMERB domain containing 1; plus strand) and 4 more. Cytogenetic location: 16p13.11-12.3.
Variant type: copy number gain.
Change: copy number 3 (three copies instead of two) of chr16:15,481,920-16,837,613 (1.36 Mb, GRCh37 coordinates, 1-based), cytogenetic band 16p13.11-12.3.
Identifiers: ClinVar variation 980083 (VCV000980083.2).

ClinVar aggregate classification (germline): Likely pathogenic (0 of 4 stars; one submission).

Submission:

Quest Diagnostics Nichols Institute San Juan Capistrano
Classification: Likely pathogenic. Last evaluated: 2021-03-01. Review status: no assertion criteria provided. Collection method: clinical testing. Allele origin: germline.
Comment: This copy number gain involves multiple genes and is a recurrent genomic imbalance. It confers susceptibility to a range of neurodevelopmental disorders including autism spectrum disorder, developmental delay, intellectual disability, and speech delay. Additionally, increased risk for cardiovascular disease has been noted (Allach El Khattabi et al., J Med Genet. 2018 Oct 4. Pii: jmedgenet-2018-105389. PMID: 30287593). The clinical significance of this recurrent duplication has been debated, because similar duplications are repeatedly observed in uncharacterized controls and in unaffected relatives (Ullmann R et al., Hum Mutat. 2007 Jul;28(7):674-82.PMID: 17480035; Hannes FD et al., J Med Genet. 2009 Apr;46(4):223-32. PMID: 18550696). However, the duplication is enriched patients versus controls in multiple case-control studies (Coe et al., Nat Genet. 2014 Oct;46(10):1063-71., PMID: 25217958; Girirajan et al., N Engl J Med. 2012 Oct ;367(14):1321-31., PMID: 22970919), with some exceptions (Kaminsky et al., Genet Med. 2011 Sep;13(9):777-84., PMID: 21844811). A male-biased effect on the penetrance of the neurodevelopmental phenotypes has been reported (Tropeano M et al., PLoS One. 2013 Apr 18;8(4):e61365.; PMID: 23637818). Thus, the clinical significance of this copy number variant (CNV) is likely pathogenic. Please note: because of variable phenotypic expressivity, incomplete penetrance, and occurrence in control populations, it is best interpreted as a susceptibility locus.